The following is an entry in ClinVar:

NM_000057.4(BLM):c.98+1G>T

Gene: BLM (BLM RecQ like helicase; plus strand). Cytogenetic location: 15q26.1.
Variant type: single nucleotide variant.
Coding change: c.98+1G>T on transcript NM_000057.4 (MANE Select); the canonical splice donor site of the intron after coding-DNA position 98, G replaced by T.
Molecular consequence: splice donor variant.
Genome position (GRCh38, 1-based): chr15:90,747,491, G>T. VCF-style: chr15-90747491-G-T. GRCh37 (hg19) VCF-style: chr15-91290721-G-T.
Other names: c.98+1G>T (NM_001287246.2, NM_001287247.2); c.-1194+1G>T (NM_001287248.2).
Identifiers: ClinVar variation 370200 (VCV000370200.31), dbSNP rs750293380, ClinGen allele CA7738233.
Genomic context (GRCh38, chr15:90,747,491, plus strand): 5'-AGAACGTCACTCAGCCAGAACACTTAATAATAAATTAAGTCTTTCAAAACCAAAATTTTC[G>T]TAAGTGTTTTGACTGGTTTGCTGTCACATAGGCACTAACTTACCACATTGTACACATGAG-3'

ClinVar aggregate classification (germline): Pathogenic/Likely pathogenic. Review status: criteria provided, multiple submitters, no conflicts (2 of 4 stars). 12 submissions from 12 submitters: Pathogenic (10); Likely pathogenic (2). Last evaluated 2026-05-27.

Conditions:
Hereditary cancer-predisposing syndrome. Also called: Tumor predisposition; Neoplastic Syndromes, Hereditary; Hereditary neoplastic syndrome; Hereditary Cancer Syndrome. Identifiers: Orphanet 140162, MedGen C0027672, MeSH D009386, MONDO:0015356.
Bloom syndrome (BLM). Also called: Bloom-Torre-Machacek syndrome. Identifiers: Orphanet 125, MedGen C0005859, MONDO:0008876, OMIM 210900.

gnomAD v4.1: 9 of 1,591,962 alleles (0.00057%); highest among the groups gnomAD compares: Admixed American, 0.0051%; no homozygotes.

Submissions (12):

Ambry Genetics
Classification: Pathogenic for Hereditary cancer-predisposing syndrome. Last evaluated: 2026-05-27. Review status: criteria provided, single submitter. Criteria: Ambry Variant Classification Scheme 2023. Collection method: clinical testing. Allele origin: germline.
Comment: The c.98+1G>T intronic alteration consists of a G to T substitution one nucleotide after exon 2 (coding exon 1) of the BLM gene. Variants that disrupt the canonical splice site are expected to cause aberrant splicing, resulting in an abnormal protein or a transcript that is subject to nonsense-mediated mRNA decay. Based on data from gnomAD, the T allele has an overall frequency of 0.001% (3/230636) total alleles studied. The highest observed frequency was 0.003% (1/33512) of Latino alleles. This variant has been identified in the homozygous state and/or in conjunction with other BLM variant(s) in individual(s) with features consistent with Bloom syndrome (German, 2007). This nucleotide position is highly conserved in available vertebrate species. In silico splice site analysis predicts that this alteration will weaken the native splice donor site. Based on the available evidence, this alteration is classified as pathogenic.

Labcorp Genetics (formerly Invitae), Labcorp
Classification: Pathogenic for Bloom syndrome. Last evaluated: 2025-11-10. Review status: criteria provided, single submitter. Criteria: Invitae Variant Classification Sherloc (09022015). Collection method: clinical testing. Allele origin: germline.
Comment: This sequence change affects a donor splice site in intron 2 of the BLM gene. RNA analysis indicates that disruption of this splice site induces altered splicing and may result in an absent or altered protein product. This variant is present in population databases (rs750293380, gnomAD 0.003%). Disruption of this splice site has been observed in individual(s) with clinical features of Bloom syndrome (PMID: 17407155). ClinVar contains an entry for this variant (Variation ID: 370200). Studies have shown that disruption of this splice site results in exon 2 skipping and activation of a cryptic splice site, and produces a non-functional protein and/or introduces a premature termination codon (internal data). For these reasons, this variant has been classified as Pathogenic.

Natera, Inc.
Classification: Pathogenic for Bloom syndrome. Last evaluated: 2025-08-22. Review status: criteria provided, single submitter. Criteria: Natera Variant Classification Schema (03/2026). Collection method: clinical testing. Allele origin: germline.
Comment: The c.98+1G>T variant in BLM is a canonical splice donor site variant predicted to affect pre-mRNA splicing, which may result in an abnormal transcript and altered protein product. This variant is expected to result in nonsense mediated decay, truncation, or a dysfunctional protein product. This variant is rare in the general population with a frequency below the threshold expected for the associated phenotype(s). This variant has been observed in one or more individuals affected with the associated recessive disease, as either homozygous or compound heterozygous with a second variant (PMID: 17407155). Functional studies show that this variant may disrupt protein function (PMID: 17407155). Given the available evidence, this variant is classified as Pathogenic.

Dasa
Classification: Likely pathogenic. Last evaluated: 2025-07-15. Review status: criteria provided, single submitter. Criteria: DASA Assertion Criteria. Collection method: clinical testing. Allele origin: germline.
Comment: NM_000057.4(BLM):c.98+1G>T affects a canonical splice site and is predicted to disrupt normal RNA splicing. Loss of function is an established disease mechanism for BLM-associated disorders. This variant has been reported in individuals with BLM-related disorders (PMID: 17407155). Also, this variant is rare in population databases. Based on the currently available evidence, this variant is classified as likely pathogenic.

3billion
Classification: Pathogenic for Bloom syndrome. Last evaluated: 2024-07-04. Review status: criteria provided, single submitter. Criteria: ACMG Guidelines, 2015. Collection method: clinical testing. Allele origin: germline. Affected: yes.
Comment: The variant is observed at an extremely low frequency in the gnomAD v4.0.0 dataset (total allele frequency: <0.001%). Predicted Consequence/Location: Canonical splice site: predicted to alter splicing and result in a loss or disruption of normal protein function. Multiple pathogenic loss-of-function variants are reported downstream of the variant. In silico tools predict the variant to alter splicing and produce an abnormal transcript [SpliceAI: 0.96 (spliceogenicity >=0.2, non-spliceogenicity <0.1)]. The variant has been reported at least twice as pathogenic with clinical assertions and evidence for the classification (ClinVar ID: VCV000370200 /PMID: 17407155). Therefore, this variant is classified as Pathogenic according to the recommendation of ACMG/AMP guideline.

GeneDx
Classification: Pathogenic. Last evaluated: 2024-06-01. Review status: criteria provided, single submitter. Criteria: GeneDx Variant Classification Process June 2021. Collection method: clinical testing. Allele origin: germline. Affected: yes.
Comment: Canonical splice site variant predicted to result in a null allele in a gene for which loss of function is a known mechanism of disease; Not observed at significant frequency in large population cohorts (gnomAD); This variant is associated with the following publications: (PMID: 31589614, 25525159, 27175728, 30441849, 26247052, 34288589, 34308104, 17407155)

Fulgent Genetics
Classification: Pathogenic for Bloom syndrome. Last evaluated: 2024-05-25. Review status: criteria provided, single submitter. Criteria: ACMG Guidelines, 2015. Collection method: clinical testing. Allele origin: germline.

St. Jude Molecular Pathology, St. Jude Children's Research Hospital
Classification: Pathogenic for Bloom syndrome. Last evaluated: 2024-05-07. Review status: criteria provided, single submitter. Criteria: St. Jude Assertion Criteria 2020. Collection method: clinical testing. Allele origin: germline.
Comment: The BLM c.98+1G>T intronic change results in a G to T substitution at the +1 position of intron 2 of the BLM gene. This variant is predicted to result in aberrant splicing, likely resulting in an absent or abnormal protein product. This variant has been reported in conjunction with another pathogenic variant in an individual with Bloom syndrome (PMID: 17407155). This variant has a maximum subpopulation frequency of 0.003% in gnomAD v2.1.1. In summary, this variant meets criteria to be classified as pathogenic.

Baylor Genetics
Classification: Pathogenic for Bloom syndrome. Last evaluated: 2024-03-20. Review status: criteria provided, single submitter. Criteria: ACMG Guidelines, 2015. Collection method: clinical testing. Allele origin: unknown.

Quest Diagnostics Nichols Institute San Juan Capistrano
Classification: Pathogenic. Last evaluated: 2023-08-28. Review status: criteria provided, single submitter. Criteria: Quest Diagnostics criteria. Collection method: clinical testing. Allele origin: unknown.
Comment: The BLM c.98+1G>T variant disrupts a canonical splice-donor site and interferes with normal BLM mRNA splicing. This variant has been reported in the published literature in an individual with Bloom syndrome (PMID: 17407155 (2007)). It has also been seen in an individual with acute lymphoblastic leukemia (PMID: 34308104 (2021)). RNA analysis showed that the exon was skipped, which excludes the initiator methionine from the transcript, however further research is needed (PMID: 17407155 (2007)). The frequency of this variant in the general population, 0.000013 (3/230636 chromosomes (Genome Aggregation Database)), is consistent with pathogenicity. Based on the available information, this variant is classified as pathogenic.

Women's Health and Genetics/Laboratory Corporation of America, LabCorp
Classification: Pathogenic for Bloom syndrome. Last evaluated: 2021-12-21. Review status: criteria provided, single submitter. Criteria: LabCorp Variant Classification Summary - May 2015. Collection method: clinical testing. Allele origin: germline.
Comment: Variant summary: BLM c.98+1G>T is located in a canonical splice-site and is predicted to affect mRNA splicing resulting in a significantly altered protein due to either exon skipping, shortening, or inclusion of intronic material. Several computational tools predict a significant impact on normal splicing: Three predict the variant abolishes the canonical 5' splicing donor site. These predictions are supported by RT-PCR studies that showed exon 2 skipping, though the data was not available for review (German_2007). The variant allele was found at a frequency of 1.3e-05 in 230636 control chromosomes (gnomAD). c.98+1G>T has been reported in the literature in an individual affected with Bloom Syndrome (German_2007). A different variant at the same location (c.98+1G>A) has also been implicated in Bloom Syndrome. Four other ClinVar submitters (evaluation after 2014) cite the variant as likely pathogenic/pathogenic. Based on the evidence outlined above, the variant was classified as pathogenic.

Myriad Genetics, Inc.
Classification: Likely pathogenic for Bloom syndrome. Last evaluated: 2021-11-19. Review status: criteria provided, single submitter. Criteria: Myriad Women's Health Autosomal Recessive and X-Linked Classification Criteria (2021). Collection method: clinical testing. Allele origin: unknown.
Comment: NM_000057.3(BLM):c.98+1G>T is a canonical splice site variant classified as likely pathogenic in the context of Bloom syndrome. c.98+1G>T has been observed in a case with relevant disease (PMID: 17407155). Functional assessments of this variant are available in the literature (PMID: 17407155). c.98+1G>T has been observed in population frequency databases (gnomAD: NFE 0.003%). In summary, NM_000057.3(BLM):c.98+1G>T is a canonical splice variant in a gene where loss of function is a known mechanism of disease and is predicted to disrupt protein function. Please note: this variant was assessed in the context of healthy population screening.

Literature cited by the submitters: PubMed 17407155 (cited by 8 submitters); PubMed 30523343 (cited by Dasa); PubMed 27175728 (cited by Quest Diagnostics Nichols Institute San Juan Capistrano and Women's Health and Genetics/Laboratory Corporation of America, LabCorp); PubMed 26247052 (cited by Quest Diagnostics Nichols Institute San Juan Capistrano and Women's Health and Genetics/Laboratory Corporation of America, LabCorp); PubMed 31589614 (cited by Quest Diagnostics Nichols Institute San Juan Capistrano); PubMed 30441849 (cited by Quest Diagnostics Nichols Institute San Juan Capistrano); PubMed 34288589 (cited by Quest Diagnostics Nichols Institute San Juan Capistrano); PubMed 7799980 (cited by Quest Diagnostics Nichols Institute San Juan Capistrano); PubMed 34308104 (cited by Quest Diagnostics Nichols Institute San Juan Capistrano).